The following is an entry in ClinVar:

NM_058216.3(RAD51C):c.145+2_145+3insTT

Genes: RAD51C (RAD51 paralog C; plus strand), LOC130061310 (ATAC-STARR-seq lymphoblastoid active region 12491; plus strand). Cytogenetic location: 17q22.
Variant type: Insertion.
Coding change: c.145+2_145+3insTT on transcript NM_058216.3 (MANE Select); the canonical splice donor site of the intron after coding-DNA position 145 through 3 bases into the intron after coding-DNA position 145, TT inserted.
Molecular consequence: splice donor variant.
Genome position: GRCh38 VCF-style: chr17-58692789-G-GTT. GRCh37 (hg19) VCF-style: chr17-56770150-G-GTT.
Other names: c.145+2_145+3insTT (NM_002876.4).
Identifiers: ClinVar variation 819250 (VCV000819250.19), dbSNP rs1567783294, ClinGen allele CA627144537.

ClinVar aggregate classification (germline): Conflicting classifications of pathogenicity. Review status: criteria provided, conflicting classifications (1 of 4 stars). 5 submissions from 5 submitters: Likely pathogenic (1); Uncertain significance (3). 1 of the submissions does not count toward it. Last evaluated 2025-08-15.

Conditions:
RAD51C-related disorder. Also called: RAD51C-related condition; RAD51C-related disorders.
Hereditary cancer-predisposing syndrome. Also called: Hereditary Cancer Syndrome; Neoplastic Syndromes, Hereditary; Hereditary neoplastic syndrome; Tumor predisposition. Identifiers: Orphanet 140162, MedGen C0027672, MeSH D009386, MONDO:0015356.
Breast-ovarian cancer, familial, susceptibility to, 3. Also called: RAD51C-Related Breast/Ovarian Cancer. Identifiers: Orphanet 145, MedGen C3150659, MONDO:0013253, OMIM 613399.
Fanconi anemia complementation group O. Also called: RAD51C-Related Fanconi Anemia. Identifiers: Orphanet 84, MedGen C3150653, MONDO:0013248, OMIM 613390.

Submissions (5):

Ambry Genetics
Classification: Uncertain significance for Hereditary cancer-predisposing syndrome. Last evaluated: 2025-08-15. Review status: criteria provided, single submitter. Criteria: Ambry Variant Classification Scheme 2023. Collection method: clinical testing. Allele origin: germline.
Comment: The c.145+2_145+3insTT intronic variant, results from an insertion of two nucleotides (TT) between nucleotide position 145+2 and 145+3 after intron 1 of the RAD51C gene. In silico splice site analysis predicts that this alteration may weaken the native splice donor site. RNA studies have demonstrated that this alteration results in an incomplete splice defect; the clinical impact of this abnormal splicing is unknown at this time (Ambry internal data). Since supporting evidence is limited at this time, the clinical significance of this alteration remains unclear.

Labcorp Genetics (formerly Invitae), Labcorp
Classification: Uncertain significance for Fanconi anemia complementation group O. Last evaluated: 2025-07-29. Review status: criteria provided, single submitter. Criteria: Invitae Variant Classification Sherloc (09022015). Collection method: clinical testing. Allele origin: germline.
Comment: This sequence change falls in intron 1 of the RAD51C gene. It does not directly change the encoded amino acid sequence of the RAD51C protein. It affects a nucleotide within the consensus splice site. This variant is present in population databases (no rsID available, gnomAD 0.0009%). This variant has not been reported in the literature in individuals affected with RAD51C-related conditions. ClinVar contains an entry for this variant (Variation ID: 819250). Variants that disrupt the consensus splice site are a relatively common cause of aberrant splicing (PMID: 17576681, 9536098). Studies have shown that this variant is associated with inconclusive levels of altered splicing (internal data). In summary, the available evidence is currently insufficient to determine the role of this variant in disease. Therefore, it has been classified as a Variant of Uncertain Significance.

Myriad Genetics, Inc.
Classification: Likely pathogenic for Breast-ovarian cancer, familial, susceptibility to, 3. Last evaluated: 2024-12-11. Review status: criteria provided, single submitter. Criteria: Myriad Autosomal Dominant, Autosomal Recessive and X-Linked Classification Criteria (2023). Collection method: clinical testing. Allele origin: unknown.
Comment: This variant is considered likely pathogenic. Functional studies indicate this variant impacts protein function [PMID: 39299233].

Color Diagnostics, LLC DBA Color Health
Classification: Uncertain significance for Hereditary cancer-predisposing syndrome. Last evaluated: 2022-08-26. Review status: criteria provided, single submitter. Criteria: ACMG Guidelines, 2015. Collection method: clinical testing. Allele origin: germline.
Comment: This variant causes an insertion of two nucleotides in intron 1 splice donor site of the RAD51C gene. Splice site prediction tools predict that this variant may impact RNA splicing. This prediction has not been confirmed in published RNA studies. An external laboratory has reported that this variant does not result in significant abnormal splicing compared to non-carrier control samples (ClinVar Accession ID: SCV001171994.2). This variant has not been reported in individuals affected with hereditary cancer in the literature. This variant has been identified in 2/251282 chromosomes in the general population by the Genome Aggregation Database (gnomAD). The available evidence is insufficient to determine the role of this variant in disease conclusively. Therefore, this variant is classified as a Variant of Uncertain Significance.

PreventionGenetics, part of Exact Sciences
Classification: Uncertain significance for RAD51C-related condition. Last evaluated: 2024-06-08. Review status: no assertion criteria provided. Collection method: clinical testing. Allele origin: germline. Not counted in ClinVar's aggregate classification.
Comment: The RAD51C c.145+2_145+3insTT variant is predicted to result in an in-frame amino acid insertion (Splicing). To our knowledge, this variant has not been reported in the literature. This variant is reported in 0.0018% of alleles in individuals of European (Non-Finnish) descent in gnomAD. At this time, the clinical significance of this variant is uncertain due to the absence of conclusive functional and genetic evidence.

Literature cited by the submitters: PubMed 39299233 (cited by Ambry Genetics and Myriad Genetics, Inc.); PubMed 17576681 (cited by Labcorp Genetics (formerly Invitae), Labcorp); PubMed 9536098 (cited by Labcorp Genetics (formerly Invitae), Labcorp).